The following is an entry in ClinVar:

NM_206933.4(USH2A):c.232T>G (p.Phe78Val)

Gene: USH2A (usherin; minus strand). Cytogenetic location: 1q41.
Variant type: single nucleotide variant.
Coding change: c.232T>G on transcript NM_206933.4 (MANE Select); coding-DNA position 232, T replaced by G.
Protein change: p.Phe78Val; replaces phenylalanine 78 with valine.
Molecular consequence: missense variant.
Genome position (GRCh38, 1-based): chr1:216,422,105, A>C on the plus strand (T>G on the coding strand, the complement: USH2A is on the minus strand). VCF-style: chr1-216422105-A-C. GRCh37 (hg19) VCF-style: chr1-216595447-A-C.
Other names: c.232T>G, p.Phe78Val (NM_007123.6); short protein forms F78V.
Identifiers: ClinVar variation 558020 (VCV000558020.15), dbSNP rs775094277, ClinGen allele CA1396832.
Genomic context (GRCh38, chr1:216,422,105, plus strand): 5'-TGTAGGTAGGGTGTGAAGATCTGTATGGGCAATCCTGAATACAAAACCGCTGGGTACAGA[A>C]CTGAATACTTTCAGCAGCAGCAGAGCTGTGACAAAAAGTGCTTCGGTCTGGGAGTCCACA-3'
Protein context (NP_996816.3, residues 68-88): HSSAAAESIQ[Phe78Val]CTQRFCIQDC

ClinVar aggregate classification (germline): Conflicting classifications of pathogenicity. Review status: criteria provided, conflicting classifications (1 of 4 stars). 7 submissions from 7 submitters: Pathogenic (1); Likely pathogenic (4); Uncertain significance (1). 1 of the submissions does not count toward it. Last evaluated 2025-12-14.

Conditions:
Retinal dystrophy. Also called: Inherited retinal dystrophy. Identifiers: Orphanet 71862, MedGen C0854723, MeSH D058499, MONDO:0019118, HP:0000556.
Usher syndrome type 2A. Also called: RETINAL DISEASE IN USHER SYNDROME TYPE IIA, MODIFIER OF; USHER SYNDROME, TYPE IIA. Identifiers: Orphanet 231178, Orphanet 886, MedGen C1848634, MONDO:0010169, OMIM 276901.
Retinitis pigmentosa 39 (RP39). Identifiers: Orphanet 791, MedGen C3151138, MONDO:0013436, OMIM 613809.
USH2A-related disorder. Also called: USH2A-related disorders; USH2A-related condition. Identifiers: MedGen CN239332.

Allele frequency attached by ClinVar (database versions not stated): ExAC 0.00001; gnomAD 0.00001; gnomAD exomes 0.00001; TOPMed 0.00002.
gnomAD v4.1: 14 of 1,613,722 alleles (0.00087%); highest among the groups gnomAD compares: Admixed American, 0.0017%; no homozygotes.

Submissions (7):

Labcorp Genetics (formerly Invitae), Labcorp
Classification: Pathogenic. Last evaluated: 2025-12-14. Review status: criteria provided, single submitter. Criteria: Invitae Variant Classification Sherloc (09022015). Collection method: clinical testing. Allele origin: germline.
Comment: This sequence change replaces phenylalanine, which is neutral and non-polar, with valine, which is neutral and non-polar, at codon 78 of the USH2A protein (p.Phe78Val). This variant is present in population databases (rs775094277, gnomAD 0.002%). This missense change has been observed in individuals with Usher syndrome (PMID: 27460420, 33576794, 38531366; internal data). ClinVar contains an entry for this variant (Variation ID: 558020). Invitae Evidence Modeling of protein sequence and biophysical properties (such as structural, functional, and spatial information, amino acid conservation, physicochemical variation, residue mobility, and thermodynamic stability) indicates that this missense variant is not expected to disrupt USH2A protein function with a negative predictive value of 95%. Algorithms developed to predict the effect of sequence changes on RNA splicing suggest that this variant may create or strengthen a splice site. For these reasons, this variant has been classified as Pathogenic.

Natera, Inc.
Classification: Likely pathogenic for Usher syndrome type 2A. Last evaluated: 2025-03-12. Review status: criteria provided, single submitter. Criteria: Natera Variant Classification Schema (03/2026). Collection method: clinical testing. Allele origin: germline.
Comment: The c.232T>G variant in USH2A is a missense variant predicted to cause substitution of phenylalanine to valine at amino acid 78. This variant is rare in the general population with a frequency below the threshold expected for the associated phenotype(s). This variant has been observed in one or more individuals affected with the associated recessive disease, as either homozygous or compound heterozygous with a second variant (PMID: 27460420, 33576794, 37217489, 36819107, 39462066, 38927702, 38531366). Multiple computational prediction algorithms suggest this variant is unlikely to affect gene or protein function. Given the available evidence, this variant is classified as Likely Pathogenic.

Blueprint Genetics
Classification: Likely pathogenic for USH2A-related disorders. Last evaluated: 2024-11-21. Review status: criteria provided, single submitter. Criteria: ACMG Guidelines, 2015. Collection method: clinical testing. Allele origin: germline. Affected: yes. Observed: 5 variant alleles.

Baylor Genetics
Classification: Likely pathogenic for Retinitis pigmentosa 39. Last evaluated: 2024-03-02. Review status: criteria provided, single submitter. Criteria: ACMG Guidelines, 2015. Collection method: clinical testing. Allele origin: unknown.

Fulgent Genetics
Classification: Uncertain significance for Usher syndrome type 2A; Retinitis pigmentosa 39. Last evaluated: 2021-07-02. Review status: criteria provided, single submitter. Criteria: ACMG Guidelines, 2015. Collection method: clinical testing. Allele origin: unknown.

Institute of Human Genetics, Univ. Regensburg, Univ. Regensburg
Classification: Likely pathogenic for Retinal dystrophy. Last evaluated: 2020-01-01. Review status: criteria provided, single submitter. Criteria: ACMG Guidelines, 2015. Collection method: clinical testing. Allele origin: germline. Affected: yes.

Counsyl
Classification: Uncertain significance for Usher syndrome type 2A; Retinitis pigmentosa 39. Last evaluated: 2018-04-24. Review status: no assertion criteria provided. Collection method: clinical testing. Allele origin: unknown. Not counted in ClinVar's aggregate classification.

Literature cited by the submitters: PubMed 27460420 (cited by 4 submitters); PubMed 33576794 (cited by 3 submitters); PubMed 38531366 (cited by Labcorp Genetics (formerly Invitae), Labcorp and Natera, Inc.); PubMed 37217489 (cited by Natera, Inc.); PubMed 36819107 (cited by Natera, Inc. and Institute of Human Genetics, Univ. Regensburg, Univ. Regensburg); PubMed 39462066 (cited by Natera, Inc.); PubMed 38927702 (cited by Natera, Inc.); PubMed 34426522 (cited by Institute of Human Genetics, Univ. Regensburg, Univ. Regensburg); PubMed 36460718 (cited by Institute of Human Genetics, Univ. Regensburg, Univ. Regensburg).